The following is an entry in ClinVar:

NM_052947.4(ALPK2):c.2444G>A (p.Cys815Tyr)

Gene: ALPK2 (alpha kinase 2; minus strand). Cytogenetic location: 18q21.31.
Variant type: single nucleotide variant.
Coding change: c.2444G>A on transcript NM_052947.4 (MANE Select); coding-DNA position 2444, G replaced by A.
Protein change: p.Cys815Tyr; replaces cysteine 815 with tyrosine.
Molecular consequence: missense variant.
Genome position (GRCh38, 1-based): chr18:58,537,743, C>T on the plus strand (G>A on the coding strand, the complement: ALPK2 is on the minus strand). VCF-style: chr18-58537743-C-T. GRCh37 (hg19) VCF-style: chr18-56204975-C-T.
Other names: short protein forms C815Y.
Identifiers: ClinVar variation 1791372 (VCV001791372.3), dbSNP rs1459001683, ClinGen allele CA402570583.

ClinVar aggregate classification (germline): Uncertain significance (1 of 4 stars; one submission).

Allele frequency attached by ClinVar (database versions not stated): gnomAD exomes 0.00002.
gnomAD v4.1: 15 of 1,614,150 alleles (0.00093%); highest among the groups gnomAD compares: Non-Finnish European, 0.0012%; no homozygotes.

Submission:

Ambry Genetics
Classification: Uncertain significance. Last evaluated: 2024-04-20. Review status: criteria provided, single submitter. Criteria: Ambry Variant Classification Scheme 2023. Collection method: clinical testing. Allele origin: germline.
Comment: The p.C815Y variant (also known as c.2444G>A), located in coding exon 4 of the ALPK2 gene, results from a G to A substitution at nucleotide position 2444. The cysteine at codon 815 is replaced by tyrosine, an amino acid with highly dissimilar properties. This amino acid position is conserved. In addition, this alteration is predicted to be tolerated by in silico analysis. Since supporting evidence is limited at this time, the clinical significance of this alteration remains unclear.